The following is an entry in ClinVar:

ClinVar aggregate classification (germline): Uncertain significance (1 of 4 stars; one submission).

Conditions:
Cognitive impairment - coarse facies - heart defects - obesity - pulmonary involvement - short stature - skeletal dysplasia syndrome. Also called: Chops syndrome; COGNITIVE IMPAIRMENT, COARSE FACIES, HEART DEFECTS, OBESITY, PULMONARY INVOLVEMENT, SHORT STATURE, AND SKELETAL DYSPLASIA; AFF4-Related CHOPS Syndrome. Identifiers: Orphanet 444077, MedGen C4085597, MONDO:0014609, OMIM 616368.

Allele frequency attached by ClinVar (database versions not stated): gnomAD exomes below 0.00001; ExAC 0.00001.
gnomAD v4.1: 1 of 1,613,298 alleles (0.000062%); highest among the groups gnomAD compares: South Asian, 0.0011%; no homozygotes.

Submission:

Neuberg Centre For Genomic Medicine, NCGM
Classification: Uncertain significance for Cognitive impairment - coarse facies - heart defects - obesity - pulmonary involvement - short stature - skeletal dysplasia syndrome. Review status: criteria provided, single submitter. Criteria: ACMG Guidelines, 2015. Collection method: clinical testing. Allele origin: germline. Inheritance: Autosomal dominant inheritance. Affected: yes.
Comment: The observed missense variant c.2417C>A(p.Ala806Glu) in AFF4 gene has not been reported previously as a pathogenic variant nor as a benign variant, to our knowledge. The c.2417C>A variant is reported with 0.0004% allele frequency in gnomAD Exomes. The amino acid Alanine at position 806 is changed to a Glutamic acid changing protein sequence and it might alter its composition and physico-chemical properties. The amino acid change p.Ala806Glu in AFF4 is predicted as conserved by GERP++ and PhyloP across 100 vertebrates. For these reasons, this variant has been classified as Uncertain Significance.

NM_014423.4(AFF4):c.2417C>A (p.Ala806Glu)

Gene: AFF4 (ALF transcription elongation factor 4; minus strand). Cytogenetic location: 5q31.1.
Variant type: single nucleotide variant.
Coding change: c.2417C>A on transcript NM_014423.4 (MANE Select); coding-DNA position 2417, C replaced by A.
Protein change: p.Ala806Glu; replaces alanine 806 with glutamic acid.
Molecular consequence: missense variant.
Genome position (GRCh38, 1-based): chr5:132,892,384, G>T on the plus strand (C>A on the coding strand, the complement: AFF4 is on the minus strand). VCF-style: chr5-132892384-G-T. GRCh37 (hg19) VCF-style: chr5-132228076-G-T.
Other names: short protein forms A806E.
Identifiers: ClinVar variation 3241979 (VCV003241979.1), dbSNP rs778505441.